The following is an entry in ClinVar:

NM_001375405.1(CEP120):c.2196+5G>A

Gene: CEP120 (centrosomal protein 120; minus strand). Cytogenetic location: 5q23.2.
Variant type: single nucleotide variant.
Coding change: c.2196+5G>A on transcript NM_001375405.1 (MANE Select); 5 bases into the intron after coding-DNA position 2196, G replaced by A.
Molecular consequence: intron variant.
Genome position (GRCh38, 1-based): chr5:123,378,331, C>T on the plus strand (G>A on the coding strand, the complement: CEP120 is on the minus strand). VCF-style: chr5-123378331-C-T. GRCh37 (hg19) VCF-style: chr5-122714025-C-T.
Other names: c.2118+5G>A (NM_001166226.2); c.2196+5G>A (NM_153223.4, NM_001375407.1); c.1623+5G>A (NM_001375408.1, NM_001375409.1); c.2061+5G>A (NM_001375406.1).
Identifiers: ClinVar variation 1973815 (VCV001973815.5), dbSNP rs2479279998, ClinGen allele CA2580072481.

ClinVar aggregate classification (germline): Uncertain significance (1 of 4 stars; one submission).

Conditions:
Short-rib thoracic dysplasia 13 with or without polydactyly (SRTD13). Identifiers: Orphanet 474, MedGen C4225378, MONDO:0014577, OMIM 616300.

Submission:

Labcorp Genetics (formerly Invitae), Labcorp
Classification: Uncertain significance for Short-rib thoracic dysplasia 13 with or without polydactyly. Last evaluated: 2022-05-15. Review status: criteria provided, single submitter. Criteria: Invitae Variant Classification Sherloc (09022015). Collection method: clinical testing. Allele origin: germline.
Comment: This sequence change falls in intron 16 of the CEP120 gene. It does not directly change the encoded amino acid sequence of the CEP120 protein. It affects a nucleotide within the consensus splice site. This variant is not present in population databases (gnomAD no frequency). This variant has not been reported in the literature in individuals affected with CEP120-related conditions. Variants that disrupt the consensus splice site are a relatively common cause of aberrant splicing (PMID: 17576681, 9536098). Algorithms developed to predict the effect of sequence changes on RNA splicing suggest that this variant is not likely to affect RNA splicing. In summary, the available evidence is currently insufficient to determine the role of this variant in disease. Therefore, it has been classified as a Variant of Uncertain Significance.

Literature cited by the submitters: PubMed 17576681; PubMed 9536098.